The following is an entry in ClinVar:

NM_000548.5(TSC2):c.4533_4534delinsTT (p.Asp1512Tyr)

Gene: TSC2 (TSC complex subunit 2; plus strand). Cytogenetic location: 16p13.3.
Variant type: Indel.
Coding change: c.4533_4534delinsTT on transcript NM_000548.5 (MANE Select); coding-DNA positions 4533 to 4534, CG replaced by TT.
Protein change: p.Asp1512Tyr; replaces aspartic acid 1512 with tyrosine.
Molecular consequence: missense variant. On other transcripts: non-coding transcript variant (5).
Genome position (GRCh38, 1-based): chr16:2,084,990-2,084,991, CG replaced by TT. VCF-style: chr16-2084990-CG-TT. GRCh37 (hg19) VCF-style: chr16-2134991-CG-TT.
Other names: c.4332_4333delinsTT, p.Asp1445Tyr (NM_001077183.3); c.4464_4465delinsTT, p.Asp1489Tyr (NM_001114382.3); c.4224_4225delinsTT, p.Asp1409Tyr (NM_001318827.2); c.4188_4189delinsTT, p.Asp1397Tyr (NM_001318829.2); c.3801_3802delinsTT, p.Asp1268Tyr (NM_001318831.2); c.4365_4366delinsTT, p.Asp1456Tyr (NM_001318832.2); c.4335_4336delinsTT, p.Asp1446Tyr (NM_001363528.2); c.4401_4402delinsTT, p.Asp1468Tyr (NM_001370404.1); and 26 more; short protein forms D1021Y, D1041Y, D1268Y, D1397Y, D1409Y, D1426Y, D1440Y, D1446Y.
Identifiers: ClinVar variation 3659757 (VCV003659757.2).

ClinVar aggregate classification (germline): Uncertain significance (1 of 4 stars; one submission).

Conditions:
Tuberous sclerosis 2 (TSC2). Identifiers: Orphanet 805, MedGen C1860707, MONDO:0013199, OMIM 613254.

Submission:

Labcorp Genetics (formerly Invitae), Labcorp
Classification: Uncertain significance for Tuberous sclerosis 2. Last evaluated: 2024-07-17. Review status: criteria provided, single submitter. Criteria: Invitae Variant Classification Sherloc (09022015). Collection method: clinical testing. Allele origin: germline.
Comment: This sequence change replaces aspartic acid, which is acidic and polar, with tyrosine, which is neutral and polar, at codon 1512 of the TSC2 protein (p.Asp1512Tyr). Information on the frequency of this variant in the gnomAD database is not available, as this variant may be reported differently in the database. This variant has not been reported in the literature in individuals affected with TSC2-related conditions. Experimental studies and prediction algorithms are not available or were not evaluated, and the functional significance of this variant is currently unknown. In summary, the available evidence is currently insufficient to determine the role of this variant in disease. Therefore, it has been classified as a Variant of Uncertain Significance.